The following is an entry in ClinVar:

ClinVar aggregate classification (germline): Benign/Likely benign. Review status: criteria provided, multiple submitters, no conflicts (2 of 4 stars). 3 submissions from 3 submitters: Benign (1); Likely benign (2). Last evaluated 2026-07-23.

Conditions:
ANKRD11-related disorder. Also called: ANKRD11-related condition.
KBG syndrome (KBGS). Also called: ANKRD11-Related KBG Syndrome. Identifiers: Orphanet 2332, MedGen C0220687, MONDO:0007846, OMIM 148050.

Allele frequency attached by ClinVar (database versions not stated): 1000 Genomes Project 30x 0.00016; ExAC 0.00095.
gnomAD v4.1: 64 of 1,476,990 alleles (0.0043%); highest among the groups gnomAD compares: East Asian, 0.042%; no homozygotes.

Submissions (3):

PreventionGenetics, part of Exact Sciences
Classification: Likely benign for ANKRD11-related condition. Last evaluated: 2026-07-23. Review status: criteria provided, single submitter. Criteria: ACMG Guidelines, 2015. Collection method: clinical testing. Allele origin: germline.
Comment: This variant is classified as likely benign based on ACMG/AMP sequence variant interpretation guidelines (Richards et al. 2015 PMID: 25741868, with internal and published modifications).

Labcorp Genetics (formerly Invitae), Labcorp
Classification: Benign for KBG syndrome. Last evaluated: 2025-08-11. Review status: criteria provided, single submitter. Criteria: Invitae Variant Classification Sherloc (09022015). Collection method: clinical testing. Allele origin: germline.

Blueprint Genetics
Classification: Likely benign. Last evaluated: 2022-06-30. Review status: criteria provided, single submitter. Criteria: ACMG Guidelines, 2015. Collection method: clinical testing. Allele origin: germline.

NM_013275.6(ANKRD11):c.6864C>T (p.Ala2288=)

Gene: ANKRD11 (ankyrin repeat domain 11; minus strand). Cytogenetic location: 16q24.3.
Variant type: single nucleotide variant.
Coding change: c.6864C>T on transcript NM_013275.6 (MANE Select); coding-DNA position 6864, C replaced by T.
Protein change: p.Ala2288=; no amino-acid change (alanine 2288 retained).
Molecular consequence: synonymous variant.
Genome position (GRCh38, 1-based): chr16:89,279,678, G>A on the plus strand (C>T on the coding strand, the complement: ANKRD11 is on the minus strand). VCF-style: chr16-89279678-G-A. GRCh37 (hg19) VCF-style: chr16-89346086-G-A.
Other names: c.6864C>T, p.Ala2288= (NM_001256182.2, NM_001256183.2); c.6864C>T (NM_013275.5).
Identifiers: ClinVar variation 2877405 (VCV002877405.5), dbSNP rs377447921, ClinGen allele CA8241318.